The following is an entry in ClinVar:

ClinVar aggregate classification (germline): Conflicting classifications of pathogenicity. Review status: criteria provided, conflicting classifications (1 of 4 stars). 9 submissions from 9 submitters: Uncertain significance (6); Likely benign (1). 2 of the submissions do not count toward it. Last evaluated 2026-01-21.

Conditions:
Hereditary cancer-predisposing syndrome. Also called: Hereditary Cancer Syndrome; Hereditary neoplastic syndrome; Neoplastic Syndromes, Hereditary; Tumor predisposition. Identifiers: Orphanet 140162, MedGen C0027672, MeSH D009386, MONDO:0015356.
Breast-ovarian cancer, familial, susceptibility to, 1 (BROVCA1). Also called: BRCA1 Hereditary Breast and Ovarian Cancer; OVARIAN CANCER, SUSCEPTIBILITY TO. Identifiers: Orphanet 145, MedGen C2676676, MONDO:0011450, OMIM 604370. Disease mechanism: loss of function.
Hereditary breast ovarian cancer syndrome. Also called: BRCA1- and BRCA2-Associated Hereditary Breast and Ovarian Cancer; Hereditary breast and ovarian cancer syndrome; Hereditary breast and ovarian cancer syndrome (HBOC); Breast and ovarian cancer; Hereditary breast and/or ovarian cancer syndrome; Hereditary breast and ovarian cancer. Identifiers: Orphanet 145, MedGen C0677776, MeSH D061325, MONDO:0003582. Disease mechanism: loss of function.

Allele frequency attached by ClinVar (database versions not stated): gnomAD 0.00001; TOPMed 0.00003.
gnomAD v4.1: 5 of 1,613,360 alleles (0.00031%); highest among the groups gnomAD compares: African/African-American, 0.0053%; no homozygotes.

Submissions (9):

Labcorp Genetics (formerly Invitae), Labcorp
Classification: Uncertain significance for Hereditary breast ovarian cancer syndrome. Last evaluated: 2026-01-21. Review status: criteria provided, single submitter. Criteria: Invitae Variant Classification Sherloc (09022015). Collection method: clinical testing. Allele origin: germline.
Comment: This sequence change replaces proline, which is neutral and non-polar, with serine, which is neutral and polar, at codon 798 of the BRCA1 protein (p.Pro798Ser). This variant is present in population databases (rs398122658, gnomAD 0.01%). This variant has not been reported in the literature in individuals affected with BRCA1-related conditions. ClinVar contains an entry for this variant (Variation ID: 91587). Invitae Evidence Modeling of protein sequence and biophysical properties (such as structural, functional, and spatial information, amino acid conservation, physicochemical variation, residue mobility, and thermodynamic stability) indicates that this missense variant is not expected to disrupt BRCA1 protein function with a negative predictive value of 80%. In summary, the available evidence is currently insufficient to determine the role of this variant in disease. Therefore, it has been classified as a Variant of Uncertain Significance.

Women's Health and Genetics/Laboratory Corporation of America, LabCorp
Classification: Uncertain significance. Last evaluated: 2025-02-24. Review status: criteria provided, single submitter. Criteria: LabCorp Variant Classification Summary - May 2015. Collection method: clinical testing. Allele origin: germline.
Comment: Variant summary: BRCA1 c.2392C>T (p.Pro798Ser) results in a non-conservative amino acid change in the encoded protein sequence. Four of five in-silico tools predict a benign effect of the variant on protein function. The variant was absent in 250444 control chromosomes. The available data on variant occurrences in the general population are insufficient to allow any conclusion about variant significance. To our knowledge, no occurrence of c.2392C>T in individuals affected with Hereditary Breast And Ovarian Cancer Syndrome and no experimental evidence demonstrating its impact on protein function have been reported. ClinVar contains an entry for this variant (Variation ID: 91587). Based on the evidence outlined above, the variant was classified as uncertain significance.

Ambry Genetics
Classification: Uncertain significance for Hereditary cancer-predisposing syndrome. Last evaluated: 2024-06-28. Review status: criteria provided, single submitter. Criteria: Ambry Variant Classification Scheme 2023. Collection method: clinical testing. Allele origin: germline.
Comment: The p.P798S variant (also known as c.2392C>T), located in coding exon 9 of the BRCA1 gene, results from a C to T substitution at nucleotide position 2392. The proline at codon 798 is replaced by serine, an amino acid with similar properties. This amino acid position is not well conserved in available vertebrate species. In addition, this alteration is predicted to be tolerated by in silico analysis. Based on the available evidence, the clinical significance of this variant remains unclear.

Quest Diagnostics Nichols Institute San Juan Capistrano
Classification: Uncertain significance. Last evaluated: 2024-01-31. Review status: criteria provided, single submitter. Criteria: Quest Diagnostics criteria. Collection method: clinical testing. Allele origin: unknown.
Comment: The BRCA1 c.2392C>T (p.Pro798Ser) variant has been reported in the published literature be located in region of the BRCA1 gene that is tolerant to missense changes (PMID: 31911673 (2020)). The frequency of this variant in the general population, 0.000032 (1/31388 chromosomes (Genome Aggregation Database)), is uninformative in the assessment of its pathogenicity. Analysis of this variant using bioinformatics tools for the prediction of the effect of amino acid changes on protein structure and function yielded predictions that this variant is benign. Based on the available information, we are unable to determine the clinical significance of this variant.

All of Us Research Program, National Institutes of Health
Classification: Uncertain significance for Breast-ovarian cancer, familial, susceptibility to, 1. Last evaluated: 2023-11-02. Review status: criteria provided, single submitter. Criteria: ACMG Guidelines, 2015. Collection method: clinical testing. Allele origin: germline. Inheritance: Autosomal dominant inheritance. Observed: 1 variant allele, 1 heterozygote.
Comment: This missense variant replaces proline with serine at codon 798 of the BRCA1 protein. Computational prediction suggests that this variant may not impact protein structure and function (internally defined REVEL score threshold <= 0.5, PMID: 27666373). To our knowledge, functional studies have not been reported for this variant. This variant has not been reported in individuals affected with BRCA1-related disorders in the literature. This variant has been identified in 1/31388 chromosomes in the general population by the Genome Aggregation Database (gnomAD). The available evidence is insufficient to determine the role of this variant in disease conclusively. Therefore, this variant is classified as a Variant of Uncertain Significance.

This study involves interpretation of variants in research participants for the purpose of population health screening. Participant phenotype was not available at the time of variant classification. Additional details can be found in publication PMID: 35346344, PMCID: PMC8962531

Color Diagnostics, LLC DBA Color Health
Classification: Uncertain significance for Hereditary cancer-predisposing syndrome. Last evaluated: 2023-10-19. Review status: criteria provided, single submitter. Criteria: ACMG Guidelines, 2015. Collection method: clinical testing. Allele origin: germline.
Comment: This missense variant replaces proline with serine at codon 798 of the BRCA1 protein. Computational prediction suggests that this variant may not impact protein structure and function (internally defined REVEL score threshold <= 0.5, PMID: 27666373). To our knowledge, functional studies have not been reported for this variant. This variant has not been reported in individuals affected with BRCA1-related disorders in the literature. This variant has been identified in 1/31388 chromosomes in the general population by the Genome Aggregation Database (gnomAD). The available evidence is insufficient to determine the role of this variant in disease conclusively. Therefore, this variant is classified as a Variant of Uncertain Significance.

University of Washington Department of Laboratory Medicine, University of Washington
Classification: Likely benign for Hereditary cancer-predisposing syndrome. Last evaluated: 2023-03-23. Review status: criteria provided, single submitter. Criteria: Dines et al. (Genet Med. 2020). Collection method: curation. Allele origin: germline.
Comment: Missense variant in a coldspot region where missense variants are very unlikely to be pathogenic (PMID:31911673).

BRCA1 coldspot (exon 11 using historical exon numbering). Reclassification based on statistical prior probability

Sharing Clinical Reports Project (SCRP)
Classification: Uncertain significance for Breast-ovarian cancer, familial 1. Last evaluated: 2011-07-08. Review status: no assertion criteria provided. Collection method: clinical testing. Allele origin: germline. Not counted in ClinVar's aggregate classification.

Department of Pathology and Laboratory Medicine, Sinai Health System
Classification: Uncertain significance for Breast-ovarian cancer, familial, susceptibility to, 1. Review status: no assertion criteria provided. Collection method: clinical testing. Allele origin: unknown. Affected: yes. Study: The Canadian Open Genetics Repository (COGR). Not counted in ClinVar's aggregate classification.
Comment: The BRCA1 p.Pro798Ser variant was not identified in the literature nor was it identified in the LOVD 3.0 or UMD-LSDB databases. The variant was identified in dbSNP (rs398122658) as â€šÃ„Ãºwith uncertain significance alleleâ€šÃ„Ã¹ and ClinVar (classified as uncertain significance by Invitae and SCRP). The variant was identified in control databases in 1 of 31,388 chromosomes at a frequency of 0.00003 (Genome Aggregation Database Feb 27, 2017). The variant was observed in the African population in 1 of 8714 chromosomes (freq: 0.0001), while it was not observed in the Latino, Ashkenazi Jewish, East Asian, Finnish, European, Other or South Asian populations. The p.Pro798 residue is not conserved in mammals and computational analyses (PolyPhen-2, SIFT, AlignGVGD, BLOSUM, MutationTaster) do not suggest a high likelihood of impact to the protein; however, this information is not predictive enough to rule out pathogenicity. The variant occurs outside of the splicing consensus sequence and in silico or computational prediction software programs (SpliceSiteFinder, MaxEntScan, NNSPLICE, GeneSplicer) do not predict a difference in splicing. In summary, based on the above information, the clinical significance of this variant cannot be determined with certainty at this time. This variant is classified as a variant of uncertain significance.

Literature cited by the submitters: PubMed 31911673 (cited by Quest Diagnostics Nichols Institute San Juan Capistrano).

NM_007294.4(BRCA1):c.2392C>T (p.Pro798Ser)

Gene: BRCA1 (BRCA1 DNA repair associated; minus strand). Cytogenetic location: 17q21.31.
Variant type: single nucleotide variant.
Coding change: c.2392C>T on transcript NM_007294.4 (MANE Select); coding-DNA position 2392, C replaced by T.
Protein change: p.Pro798Ser; replaces proline 798 with serine.
Molecular consequence: missense variant. On other transcripts: intron variant (137).
Genome position (GRCh38, 1-based): chr17:43,093,139, G>A on the plus strand (C>T on the coding strand, the complement: BRCA1 is on the minus strand). VCF-style: chr17-43093139-G-A. GRCh37 (hg19) VCF-style: chr17-41245156-G-A.
Other names: 2511C>T; c.664+1605C>T (NM_001408438.1, NM_001408430.1, NM_001408427.1 and 12 more transcripts); c.671-2107C>T (NM_001408423.1, NM_001408420.1, NM_001408419.1 and 2 more transcripts); c.787+1605C>T (NM_001408404.1, NM_001408472.1, NM_001407990.1 and 17 more transcripts); c.788-1000C>T (NM_001407969.1, NM_001407968.1); c.577+1605C>T (NM_001408492.1, NM_001408513.1, NM_001408489.1 and 9 more transcripts); c.643+1605C>T (NM_001408468.1, NM_001408465.1, NM_001408463.1 and 3 more transcripts); c.523+1605C>T (NM_001408501.1, NM_001408500.1, NM_001408497.1 and 3 more transcripts); and 42 more; short protein forms P798S, P751S, P709S, P757S, P502S, P687S, P727S, P728S.
Identifiers: ClinVar variation 91587 (VCV000091587.24), dbSNP rs398122658, ClinGen allele CA001590.